The following is an entry in ClinVar:

NM_005157.6(ABL1):c.2327C>T (p.Thr776Ile)

Gene: ABL1 (ABL proto-oncogene 1, non-receptor tyrosine kinase; plus strand). Cytogenetic location: 9q34.12.
Variant type: single nucleotide variant.
Coding change: c.2327C>T on transcript NM_005157.6 (MANE Select); coding-DNA position 2327, C replaced by T.
Protein change: p.Thr776Ile; replaces threonine 776 with isoleucine.
Molecular consequence: missense variant.
Genome position (GRCh38, 1-based): chr9:130,884,617, C>T. VCF-style: chr9-130884617-C-T. GRCh37 (hg19) VCF-style: chr9-133760004-C-T.
Other names: c.2384C>T, p.Thr795Ile (NM_007313.3); short protein forms T776I, T795I.
Identifiers: ClinVar variation 1316382 (VCV001316382.2), dbSNP rs2133036738, ClinGen allele CA375256003.

ClinVar aggregate classification (germline): Uncertain significance (1 of 4 stars; one submission).

Submission:

GeneDx
Classification: Uncertain significance. Last evaluated: 2019-12-02. Review status: criteria provided, single submitter. Criteria: GeneDx Variant Classification Process June 2021. Collection method: clinical testing. Allele origin: germline. Affected: yes.
Comment: Not observed in large population cohorts (Lek et al., 2016); In silico analysis, which includes protein predictors and evolutionary conservation, supports that this variant does not alter protein structure/function; Has not been previously published as pathogenic or benign to our knowledge